The following is an entry in ClinVar:

NM_007254.4(PNKP):c.1330_1342del (p.Pro444fs)

Gene: PNKP (polynucleotide kinase 3'-phosphatase; minus strand). Cytogenetic location: 19q13.33.
Variant type: Deletion.
Coding change: c.1330_1342del on transcript NM_007254.4 (MANE Select); coding-DNA positions 1330 to 1342, 13 bases deleted (CCCTGCCGCTGCT).
Protein change: p.Pro444fs; shifts the reading frame from proline 444.
Molecular consequence: frameshift variant.
Genome position (GRCh38, 1-based): chr19:49,861,652-49,861,664, AGCAGCGGCAGGG deleted on the plus strand (CCCTGCCGCTGCT on the coding strand, the reverse complement: PNKP is on the minus strand). VCF-style (leftmost placement, unchanged base first): chr19-49861651-AAGCAGCGGCAGGG-A. GRCh37 (hg19) VCF-style: chr19-50364908-AAGCAGCGGCAGGG-A.
Other names: short protein forms P444fs.
Identifiers: ClinVar variation 5006022 (VCV005006022.2).

ClinVar aggregate classification (germline): Likely pathogenic (1 of 4 stars; one submission).

Conditions:
Ataxia - oculomotor apraxia type 4. Identifiers: Orphanet 459033, MedGen C4225397, MONDO:0014557, OMIM 616267.
Microcephaly, seizures, and developmental delay. Identifiers: Orphanet 1934, MedGen C3150667, MONDO:0013254, OMIM 613402.
Charcot-Marie-Tooth disease type 2B2 (CMT2B2). Also called: CHARCOT-MARIE-TOOTH DISEASE, NEURONAL, TYPE 2B2; CHARCOT-MARIE-TOOTH DISEASE, AXONAL, TYPE 2B2; Charcot-Marie-Tooth Neuropathy Type 2B2; CHARCOT-MARIE-TOOTH DISEASE, AXONAL, AUTOSOMAL RECESSIVE, TYPE 2B2. Identifiers: Orphanet 101101, MedGen C1854150, MONDO:0011570, OMIM 605589.

Submission:

Juno Genomics, Hangzhou Juno Genomics, Inc
Classification: Likely pathogenic for Charcot-Marie-Tooth disease type 2B2; Ataxia - oculomotor apraxia type 4; Microcephaly, seizures, and developmental delay. Review status: criteria provided, single submitter. Criteria: ACMG Guidelines, 2015. Collection method: clinical testing. Allele origin: germline.
Comment: Null variant in a gene where loss of function (LOF) is a known mechanism of disease.;Absent from controls (or at extremely low frequency if recessive) in Genome Aggregation Database.